The following is an entry in ClinVar:

ClinVar aggregate classification (germline): Conflicting classifications of pathogenicity. Review status: criteria provided, conflicting classifications (1 of 4 stars). 3 submissions from 3 submitters: Uncertain significance (1); Likely benign (2). Last evaluated 2026-09-15.

Conditions:
NPHP3-related disorder. Also called: NPHP3-related condition; NPHP3-related disorders. Identifiers: MedGen CN379163.
Nephronophthisis. Also called: Juvenile Nephronophthisis. Identifiers: Orphanet 655, MedGen C0687120, MONDO:0019005, HP:0000090.

Allele frequency attached by ClinVar (database versions not stated): gnomAD exomes below 0.00001; gnomAD 0.00005; TOPMed 0.00005.
gnomAD v4.1: 12 of 1,610,284 alleles (0.00075%); highest among the groups gnomAD compares: African/African-American, 0.012%; no homozygotes.

Submissions (3):

PreventionGenetics, part of Exact Sciences
Classification: Likely benign for NPHP3-related condition. Last evaluated: 2026-09-15. Review status: criteria provided, single submitter. Criteria: ACMG Guidelines, 2015. Collection method: clinical testing. Allele origin: germline.
Comment: This variant is classified as likely benign based on ACMG/AMP sequence variant interpretation guidelines (Richards et al. 2015 PMID: 25741868, with internal and published modifications).

Labcorp Genetics (formerly Invitae), Labcorp
Classification: Likely benign for Nephronophthisis. Last evaluated: 2026-01-26. Review status: criteria provided, single submitter. Criteria: Invitae Variant Classification Sherloc (09022015). Collection method: clinical testing. Allele origin: germline.

Eurofins Ntd Llc (ga)
Classification: Uncertain significance. Last evaluated: 2017-06-27. Review status: criteria provided, single submitter. Criteria: EGL Classification Definitions 2015. Collection method: clinical testing. Allele origin: germline. Observed: 3 variant alleles, 3 heterozygotes.

NM_153240.5(NPHP3):c.894C>T (p.Asn298=)

Genes: NPHP3-ACAD11 (NPHP3-ACAD11 readthrough (NMD candidate); minus strand), NPHP3 (nephrocystin 3; minus strand). Cytogenetic location: 3q22.1.
Variant type: single nucleotide variant.
Coding change: c.894C>T on transcript NM_153240.5 (MANE Select); coding-DNA position 894, C replaced by T.
Protein change: p.Asn298=; no amino-acid change (asparagine 298 retained).
Molecular consequence: synonymous variant. On other transcripts: non-coding transcript variant (1).
Genome position (GRCh38, 1-based): chr3:132,715,148, G>A on the plus strand (C>T on the coding strand, the complement: NPHP3 is on the minus strand). VCF-style: chr3-132715148-G-A. GRCh37 (hg19) VCF-style: chr3-132433992-G-A.
Other names: c.894C>T (NM_153240.4).
Identifiers: ClinVar variation 502748 (VCV000502748.14), dbSNP rs988823074, ClinGen allele CA83606150.